The following is an entry in ClinVar:

ClinVar aggregate classification (germline): Likely benign. Review status: criteria provided, multiple submitters, no conflicts (2 of 4 stars). 3 submissions from 3 submitters: Likely benign (2). 1 of the submissions does not count toward it. Last evaluated 2026-01-27.

Conditions:
Fabry disease. Also called: ALPHA-GALACTOSIDASE A DEFICIENCY; ANDERSON-FABRY DISEASE; CERAMIDE TRIHEXOSIDASE DEFICIENCY; GLA DEFICIENCY; HEREDITARY DYSTOPIC LIPIDOSIS; Fabry's disease. Identifiers: Orphanet 324, MedGen C0002986, MONDO:0010526, OMIM 301500, HP:0001071. Disease mechanism: loss of function, Fabry disease is due to inactivating mutations in the X-linked GLA gene resulting in deficiency of the enzyme Alpha Galactosidase-A..
GLA-related disorder. Also called: GLA-related condition.

Allele frequency attached by ClinVar (database versions not stated): gnomAD exomes 0.00002; ExAC 0.00003; TOPMed 0.00003; gnomAD 0.00004.
gnomAD v4.1: 54 of 1,186,204 alleles (0.0046%); highest among the groups gnomAD compares: Non-Finnish European, 0.006%; no homozygotes.

Submissions (3):

Labcorp Genetics (formerly Invitae), Labcorp
Classification: Likely benign for Fabry disease. Last evaluated: 2026-01-27. Review status: criteria provided, single submitter. Criteria: Invitae Variant Classification Sherloc (09022015). Collection method: clinical testing. Allele origin: germline.

Color Diagnostics, LLC DBA Color Health
Classification: Likely benign for Fabry disease. Last evaluated: 2018-12-03. Review status: criteria provided, single submitter. Criteria: ACMG Guidelines, 2015. Collection method: clinical testing. Allele origin: germline.

PreventionGenetics, part of Exact Sciences
Classification: Likely benign for GLA-related condition. Last evaluated: 2024-03-14. Review status: no assertion criteria provided. Collection method: clinical testing. Allele origin: germline. Not counted in ClinVar's aggregate classification.
Comment: This variant is classified as likely benign based on ACMG/AMP sequence variant interpretation guidelines (Richards et al. 2015 PMID: 25741868, with internal and published modifications).

NM_000169.3(GLA):c.802-6T>G

Genes: GLA (galactosidase alpha; minus strand), RPL36A-HNRNPH2 (RPL36A-HNRNPH2 readthrough; plus strand). Cytogenetic location: Xq22.1.
Variant type: single nucleotide variant.
Coding change: c.802-6T>G on transcript NM_000169.3 (MANE Select); 6 bases into the intron before coding-DNA position 802, T replaced by G.
Molecular consequence: intron variant.
Genome position (GRCh38, 1-based): chrX:101,398,573, A>C on the plus strand (T>G on the coding strand, the complement: GLA is on the minus strand). VCF-style: chrX-101398573-A-C. GRCh37 (hg19) VCF-style: chrX-100653561-A-C.
Other names: c.300+3116A>C (NM_001199973.2); c.177+6751A>C (NM_001199974.2); c.925-6T>G (NM_001406747.1); c.802-6T>G (NM_001406748.1).
Identifiers: ClinVar variation 918787 (VCV000918787.9), dbSNP rs782529392, ClinGen allele CA032235.